The following is an entry in ClinVar:

ClinVar aggregate classification (germline): Uncertain significance. Review status: criteria provided, multiple submitters, no conflicts (2 of 4 stars). 3 submissions from 3 submitters: Uncertain significance (2). 1 of the submissions does not count toward it. Last evaluated 2022-08-10.

Conditions:
ABCG5-related disorder. Also called: ABCG5-related condition.
Sitosterolemia 2. Identifiers: MedGen C5231453, MONDO:0020748, OMIM 618666.
Sitosterolemia (STSL). Also called: PHYTOSTEROLEMIA. Identifiers: Orphanet 2882, MedGen C0342907, MONDO:0008863.

Allele frequency attached by ClinVar (database versions not stated): gnomAD 0.00002; gnomAD exomes 0.00002; ExAC 0.00002; TOPMed 0.00002.
gnomAD v4.1: 16 of 1,614,118 alleles (0.00099%); highest among the groups gnomAD compares: Admixed American, 0.027%; no homozygotes.

Submissions (3):

Labcorp Genetics (formerly Invitae), Labcorp
Classification: Uncertain significance for Sitosterolemia. Last evaluated: 2022-08-10. Review status: criteria provided, single submitter. Criteria: Invitae Variant Classification Sherloc (09022015). Collection method: clinical testing. Allele origin: germline.
Comment: In summary, the available evidence is currently insufficient to determine the role of this variant in disease. Therefore, it has been classified as a Variant of Uncertain Significance. Algorithms developed to predict the effect of missense changes on protein structure and function are either unavailable or do not agree on the potential impact of this missense change (SIFT: "Deleterious"; PolyPhen-2: "Probably Damaging"; Align-GVGD: "Class C0"). This variant has not been reported in the literature in individuals affected with ABCG5-related conditions. This variant is present in population databases (rs746374174, gnomAD 0.04%). This sequence change replaces phenylalanine, which is neutral and non-polar, with serine, which is neutral and polar, at codon 402 of the ABCG5 protein (p.Phe402Ser).

Revvity Omics, Revvity
Classification: Uncertain significance for Sitosterolemia 2. Last evaluated: 2021-11-22. Review status: criteria provided, single submitter. Criteria: ACMG Guidelines, 2015. Collection method: clinical testing. Allele origin: germline.

PreventionGenetics, part of Exact Sciences
Classification: Uncertain significance for ABCG5-related condition. Last evaluated: 2024-05-30. Review status: no assertion criteria provided. Collection method: clinical testing. Allele origin: germline. Not counted in ClinVar's aggregate classification.
Comment: The ABCG5 c.1205T>C variant is predicted to result in the amino acid substitution p.Phe402Ser. To our knowledge, this variant has not been reported in the literature. This variant is reported in 0.037% of alleles in individuals of Latino descent in gnomAD. At this time, the clinical significance of this variant is uncertain due to the absence of conclusive functional and genetic evidence.

NM_022436.3(ABCG5):c.1205T>C (p.Phe402Ser)

Genes: ABCG5 (ATP binding cassette subfamily G member 5; minus strand), DYNC2LI1 (dynein cytoplasmic 2 light intermediate chain 1; plus strand). Cytogenetic location: 2p21.
Variant type: single nucleotide variant.
Coding change: c.1205T>C on transcript NM_022436.3 (MANE Select); coding-DNA position 1205, T replaced by C.
Protein change: p.Phe402Ser; replaces phenylalanine 402 with serine.
Molecular consequence: missense variant. On other transcripts: intron variant (2).
Genome position (GRCh38, 1-based): chr2:43,824,032, A>G on the plus strand (T>C on the coding strand, the complement: ABCG5 is on the minus strand). VCF-style: chr2-43824032-A-G. GRCh37 (hg19) VCF-style: chr2-44051171-A-G.
Other names: c.1205T>C (NM_022436.2); c.*16-3354A>G (NM_001348913.2, NM_001348912.2); short protein forms F402S.
Identifiers: ClinVar variation 2194710 (VCV002194710.6), dbSNP rs746374174, ClinGen allele CA1636370.
Genomic context (GRCh38, chr2:43,824,032, plus strand): 5'-AGACCTACGCGGTCCTGGATAGCACCCTTTAGCACATTGCTTCGGACCCGCAGAACGAAG[A>G]AAAGGAGGAACAAACCCATGATCAGATTCTGAAGGAGACGCGTAATCACTGCCAGCTTAT-3'
Protein context (NP_071881.1, residues 392-412): QNLIMGLFLL[Phe402Ser]FVLRVRSNVL